The following is an entry in ClinVar:

ClinVar aggregate classification (germline): Likely benign. Review status: criteria provided, multiple submitters, no conflicts (2 of 4 stars). 3 submissions from 3 submitters: Likely benign (3). Last evaluated 2025-03-04.

Conditions:
Hereditary cancer-predisposing syndrome. Also called: Neoplastic Syndromes, Hereditary; Tumor predisposition; Hereditary Cancer Syndrome; Hereditary neoplastic syndrome. Identifiers: Orphanet 140162, MedGen C0027672, MeSH D009386, MONDO:0015356.
EGFR-related lung cancer (EGFR). Identifiers: MedGen CN130014.

Allele frequency attached by ClinVar (database versions not stated): gnomAD exomes below 0.00001.
gnomAD v4.1: 1 of 1,614,120 alleles (0.000062%); highest among the groups gnomAD compares: East Asian, 0.0022%; no homozygotes.

Submissions (3):

Ambry Genetics
Classification: Likely benign for Hereditary cancer-predisposing syndrome. Last evaluated: 2025-03-04. Review status: criteria provided, single submitter. Criteria: Ambry Variant Classification Scheme 2023. Collection method: clinical testing. Allele origin: germline.

CeGaT Center for Human Genetics Tuebingen
Classification: Likely benign. Last evaluated: 2024-08-01. Review status: criteria provided, single submitter. Criteria: CeGaT Center For Human Genetics Tuebingen Variant Classification Criteria Version 2. Collection method: clinical testing. Allele origin: germline. Affected: yes. Observed: 1 variant allele.
Comment: EGFR: BP4, BP7

Labcorp Genetics (formerly Invitae), Labcorp
Classification: Likely benign for EGFR-related lung cancer. Last evaluated: 2022-01-29. Review status: criteria provided, single submitter. Criteria: Invitae Variant Classification Sherloc (09022015). Collection method: clinical testing. Allele origin: germline.

NM_005228.5(EGFR):c.1191C>T (p.Thr397=)

Genes: EGFR (epidermal growth factor receptor; plus strand), LOC126860048 (P300/CBP strongly-dependent group 1 enhancer GRCh37_chr7:55223847-55225046; plus strand). Cytogenetic location: 7p11.2.
Variant type: single nucleotide variant.
Coding change: c.1191C>T on transcript NM_005228.5 (MANE Select); coding-DNA position 1191, C replaced by T.
Protein change: p.Thr397=; no amino-acid change (threonine 397 retained).
Molecular consequence: synonymous variant.
Genome position (GRCh38, 1-based): chr7:55,156,816, C>T. VCF-style: chr7-55156816-C-T. GRCh37 (hg19) VCF-style: chr7-55224509-C-T.
Other names: c.1056C>T, p.Thr352= (NM_001346897.2, NM_001346899.2); c.1191C>T, p.Thr397= (NM_001346898.2, NM_201282.2, NM_201283.2 and 1 more transcripts); c.1032C>T, p.Thr344= (NM_001346900.2); c.390C>T, p.Thr130= (NM_001346941.2).
Identifiers: ClinVar variation 2418624 (VCV002418624.25), dbSNP rs2128938765, ClinGen allele CA454968815.
Genomic context (GRCh38, chr7:55,156,816, plus strand): 5'-CAGTGACTCCTTCACACATACTCCTCCTCTGGATCCACAGGAACTGGATATTCTGAAAAC[C>T]GTAAAGGAAATCACAGGTTTGAGCTGAATTATCACATGAATATAAATGGGAAATCAGTGT-3'
Protein context (NP_005219.2, residues 387-407): LDPQELDILK[Thr397=]VKEITGFLLI